The following is an entry in ClinVar:

ClinVar aggregate classification (germline): Pathogenic (1 of 4 stars; one submission).

Conditions:
Neurofibromatosis, type 1 (NF1). Also called: VON RECKLINGHAUSEN DISEASE; Neurofibromatosis, type I; NEUROFIBROMATOSIS, TYPE I, SOMATIC; Peripheral type neurofibromatosis. Identifiers: Orphanet 636, MedGen C0027831, MONDO:0018975, OMIM 162200. Disease mechanism: loss of function.

Submission:

Labcorp Genetics (formerly Invitae), Labcorp
Classification: Pathogenic for Neurofibromatosis, type 1. Last evaluated: 2025-04-23. Review status: criteria provided, single submitter. Criteria: Invitae Variant Classification Sherloc (09022015). Collection method: clinical testing. Allele origin: germline.
Comment: This sequence change affects an acceptor splice site in intron 17 of the NF1 gene. It is expected to disrupt RNA splicing. Variants that disrupt the donor or acceptor splice site typically lead to a loss of protein function (PMID: 16199547), and loss-of-function variants in NF1 are known to be pathogenic (PMID: 10712197, 23913538). This variant is not present in population databases (gnomAD no frequency). Disruption of this splice site has been observed in individual(s) with neurofibromatosis type 1 (NF1) (PMID: 16944272, 31370276). Algorithms developed to predict the effect of sequence changes on RNA splicing suggest that this variant may disrupt the consensus splice site. For these reasons, this variant has been classified as Pathogenic.

Literature cited by the submitters: PubMed 16199547; PubMed 10712197; PubMed 23913538; PubMed 16944272; PubMed 31370276.

NM_001042492.3(NF1):c.2002-1G>T

Gene: NF1 (neurofibromin 1; plus strand). Cytogenetic location: 17q11.2.
Variant type: single nucleotide variant.
Coding change: c.2002-1G>T on transcript NM_001042492.3 (MANE Select); the canonical splice acceptor site of the intron before coding-DNA position 2002, G replaced by T.
Molecular consequence: splice acceptor variant.
Genome position (GRCh38, 1-based): chr17:31,226,434, G>T. VCF-style: chr17-31226434-G-T. GRCh37 (hg19) VCF-style: chr17-29553452-G-T.
Other names: c.2002-1G>T (NM_000267.4).
Identifiers: ClinVar variation 4760613 (VCV004760613.1).